The following is an entry in ClinVar:

NM_001165963.4(SCN1A):c.1430del (p.Gly477fs)

Gene: SCN1A (sodium voltage-gated channel alpha subunit 1; minus strand). Cytogenetic location: 2q24.3.
Variant type: Deletion.
Coding change: c.1430del on transcript NM_001165963.4 (MANE Select); coding-DNA position 1430, one base deleted (G; older notation c.1430delG).
Protein change: p.Gly477fs; shifts the reading frame from glycine 477.
Molecular consequence: frameshift variant. On other transcripts: 5 prime UTR variant (1), non-coding transcript variant (1).
Genome position (GRCh38, 1-based): chr2:166,045,275, C deleted on the plus strand (G on the coding strand, the reverse complement: SCN1A is on the minus strand); the first of 2 consecutive C bases (chr2:166,045,275-166,045,276); deleting either gives the same sequence. VCF-style (leftmost placement, unchanged base first): chr2-166045274-GC-G. GRCh37 (hg19) VCF-style: chr2-166901784-GC-G.
Other names: c.1430del, p.Gly477fs (NM_001165964.3, NM_001202435.3, NM_001353948.2 and 7 more transcripts); c.1427del, p.Gly476fs (NM_001353954.2, NM_001353955.2, NM_001353960.2); c.-996del (NM_001353961.2); short protein forms G476fs, G477fs.
Identifiers: ClinVar variation 206895 (VCV000206895.1), dbSNP rs796053057, ClinGen allele CA317701.
Genomic context (GRCh38, chr2:166,045,274, plus strand): 5'-TCTTTCCTTAGCACTCTTGGAACTCAACTTAGAGGCTTCAGATGAGCTGTCTGAGAGCCT[GC>G]CTGCTGCACTGGGCTCTCTGGAATGTTCTGAGGCAGTTGCCGTTGCTGCCTGCTATATTG-3'

ClinVar aggregate classification (germline): Pathogenic (1 of 4 stars; one submission).

Submission:

GeneDx
Classification: Pathogenic. Last evaluated: 2014-08-15. Review status: criteria provided, single submitter. Criteria: GeneDx Variant Classification (06012015). Collection method: clinical testing. Allele origin: germline. Affected: yes.
Comment: c.1430delG: p.Gly477AlafsX13 (G477AfsX13) in exon 10 of the SCN1A gene (NM_001165963.1). The normal sequence with the base that is deleted in braces is: GCAG{G}CAGG.The c.1430delG mutation in the SCN1A gene causes a frameshift starting with codon Glycine 477, changes this amino acid to an Alanine residue and creates a premature Stop codon at position 13 of the new reading frame, denoted p.Gly477AlafsX13. This mutation is predicted to cause loss of normal protein function either through protein truncation or nonsense-mediated mRNA decay. Although this mutation has not been previously reported to our knowledge, other frameshift mutations in this region of the SCN1A protein have been reported in the an external mutation database in association with SCN1A-related disorders. Therefore, the presence of c.1430delG is consistent with a diagnosis of a SCN1A-related disorder. The variant is found in EPILEPSY panel(s).